The following is an entry in ClinVar:

ClinVar aggregate classification (germline): Uncertain significance (1 of 4 stars; one submission).

Conditions:
Hereditary cancer-predisposing syndrome. Also called: Hereditary Cancer Syndrome; Hereditary neoplastic syndrome; Neoplastic Syndromes, Hereditary; Tumor predisposition. Identifiers: Orphanet 140162, MedGen C0027672, MeSH D009386, MONDO:0015356.

Submission:

Ambry Genetics
Classification: Uncertain significance for Hereditary cancer-predisposing syndrome. Last evaluated: 2025-08-19. Review status: criteria provided, single submitter. Criteria: Ambry Variant Classification Scheme 2023. Collection method: clinical testing. Allele origin: germline.
Comment: The p.G31C variant (also known as c.91G>T), located in coding exon 1 of the GREM1 gene, results from a G to T substitution at nucleotide position 91. The glycine at codon 31 is replaced by cysteine, an amino acid with highly dissimilar properties. This amino acid position is conserved. In addition, the in silico prediction for this alteration is inconclusive. Based on the available evidence, the clinical significance of this variant remains unclear.

NM_013372.7(GREM1):c.91G>T (p.Gly31Cys)

Gene: GREM1 (gremlin 1, DAN family BMP antagonist; plus strand). Cytogenetic location: 15q13.3.
Variant type: single nucleotide variant.
Coding change: c.91G>T on transcript NM_013372.7 (MANE Select); coding-DNA position 91, G replaced by T.
Protein change: p.Gly31Cys; replaces glycine 31 with cysteine.
Molecular consequence: missense variant. On other transcripts: intron variant (1).
Genome position (GRCh38, 1-based): chr15:32,730,781, G>T. VCF-style: chr15-32730781-G-T. GRCh37 (hg19) VCF-style: chr15-33022982-G-T.
Other names: c.91G>T, p.Gly31Cys (NM_001191323.2, NM_001368719.1); c.27+64G>T (NM_001191322.2); short protein forms G31C.
Identifiers: ClinVar variation 4266800 (VCV004266800.1).